The following is an entry in ClinVar:

NM_005359.6(SMAD4):c.487G>A (p.Val163Met)

Gene: SMAD4 (SMAD family member 4; plus strand). Cytogenetic location: 18q21.2.
Variant type: single nucleotide variant.
Coding change: c.487G>A on transcript NM_005359.6 (MANE Select); coding-DNA position 487, G replaced by A.
Protein change: p.Val163Met; replaces valine 163 with methionine.
Molecular consequence: missense variant. On other transcripts: non-coding transcript variant (2).
Genome position (GRCh38, 1-based): chr18:51,054,813, G>A. VCF-style: chr18-51054813-G-A. GRCh37 (hg19) VCF-style: chr18-48581183-G-A.
Other names: c.487G>A, p.Val163Met (NM_001407041.1, NM_001407042.1, NM_001407043.1); short protein forms V163M.
Identifiers: ClinVar variation 2761201 (VCV002761201.3), dbSNP rs2144418018, ClinGen allele CA402460653.

ClinVar aggregate classification (germline): Uncertain significance (1 of 4 stars; one submission).

Conditions:
Juvenile polyposis syndrome (JPS). Identifiers: Orphanet 2929, MedGen C0345893, MONDO:0017380, OMIM 174900.

Submission:

Labcorp Genetics (formerly Invitae), Labcorp
Classification: Uncertain significance for Juvenile polyposis syndrome. Last evaluated: 2023-09-26. Review status: criteria provided, single submitter. Criteria: Invitae Variant Classification Sherloc (09022015). Collection method: clinical testing. Allele origin: germline.
Comment: This variant has not been reported in the literature in individuals affected with SMAD4-related conditions. This variant is not present in population databases (gnomAD no frequency). This sequence change replaces valine, which is neutral and non-polar, with methionine, which is neutral and non-polar, at codon 163 of the SMAD4 protein (p.Val163Met). Advanced modeling of protein sequence and biophysical properties (such as structural, functional, and spatial information, amino acid conservation, physicochemical variation, residue mobility, and thermodynamic stability) has been performed at Invitae for this missense variant, however the output from this modeling did not meet the statistical confidence thresholds required to predict the impact of this variant on SMAD4 protein function. In summary, the available evidence is currently insufficient to determine the role of this variant in disease. Therefore, it has been classified as a Variant of Uncertain Significance.